The following is an entry in ClinVar:

ClinVar aggregate classification (germline): Pathogenic (1 of 4 stars; one submission).

Conditions:
Juvenile polyposis syndrome (JPS). Identifiers: Orphanet 2929, MedGen C0345893, MONDO:0017380, OMIM 174900.

Submission:

Labcorp Genetics (formerly Invitae), Labcorp
Classification: Pathogenic for Juvenile polyposis syndrome. Last evaluated: 2019-11-12. Review status: criteria provided, single submitter. Criteria: Invitae Variant Classification Sherloc (09022015). Collection method: clinical testing. Allele origin: germline.
Comment: This variant is an out-of-frame deletion of the genomic region encompassing exons 8-11 of the BMPR1A gene. This is expected to create a premature translational stop signal and result in an absent or disrupted protein product. This variant has not been reported in the literature in individuals with BMPR1A-related conditions. Loss-of-function variants in BMPR1A are known to be pathogenic (PMID: 11536076, 12417513). For these reasons, this variant has been classified as Pathogenic.

Literature cited by the submitters: PubMed 11536076; PubMed 12417513.

NC_000010.10:g.(?_88669791)_88681457del

Gene: BMPR1A (bone morphogenetic protein receptor type 1A; plus strand).
Variant type: Deletion.
Identifiers: ClinVar variation 1068880 (VCV001068880.2).